The following is an entry in ClinVar:

ClinVar aggregate classification (germline): Uncertain significance. Review status: criteria provided, multiple submitters, no conflicts (2 of 4 stars). 2 submissions from 2 submitters: Uncertain significance (2). Last evaluated 2025-07-14.

Conditions:
Cardiovascular phenotype. Identifiers: MedGen CN230736.
Cardiomyopathy (CMYO). Also called: Cardiomyopathies. Identifiers: Orphanet 167848, MedGen C0878544, MONDO:0004994, HP:0001638. Inheritance: Various modes of inheritance.

Allele frequency attached by ClinVar (database versions not stated): gnomAD 0.00001; TOPMed 0.00001; gnomAD exomes below 0.00001.
gnomAD v4.1: 3 of 1,614,062 alleles (0.00019%); highest among the groups gnomAD compares: African/African-American, 0.004%; no homozygotes.

Submissions (2):

Color Diagnostics, LLC DBA Color Health
Classification: Uncertain significance for Cardiomyopathy. Last evaluated: 2025-07-14. Review status: criteria provided, single submitter. Criteria: ACMG Guidelines, 2015. Collection method: clinical testing. Allele origin: germline.
Comment: This missense variant replaces glutamic acid with lysine at codon 300 of the DSG2 protein. Computational prediction suggests that this variant may not impact protein structure and function. To our knowledge, functional studies have not been reported for this variant. This variant has not been reported in individuals affected with DSG2-related disorders in the literature. This variant has been identified in 1/249418 chromosomes in the general population by the Genome Aggregation Database (gnomAD). The available evidence is insufficient to determine the role of this variant in disease conclusively. Therefore, this variant is classified as a Variant of Uncertain Significance.

Ambry Genetics
Classification: Uncertain significance for Cardiovascular phenotype. Last evaluated: 2021-06-14. Review status: criteria provided, single submitter. Criteria: Ambry Variant Classification Scheme 2023. Collection method: clinical testing. Allele origin: germline.
Comment: The p.E300K variant (also known as c.898G>A), located in coding exon 8 of the DSG2 gene, results from a G to A substitution at nucleotide position 898. The glutamic acid at codon 300 is replaced by lysine, an amino acid with similar properties. This amino acid position is conserved. In addition, this alteration is predicted to be tolerated by in silico analysis. Since supporting evidence is limited at this time, the clinical significance of this alteration remains unclear.

NM_001943.5(DSG2):c.898G>A (p.Glu300Lys)

Gene: DSG2 (desmoglein 2; plus strand). Cytogenetic location: 18q12.1.
Variant type: single nucleotide variant.
Coding change: c.898G>A on transcript NM_001943.5 (MANE Select); coding-DNA position 898, G replaced by A.
Protein change: p.Glu300Lys; replaces glutamic acid 300 with lysine.
Molecular consequence: missense variant.
Genome position (GRCh38, 1-based): chr18:31,524,772, G>A. VCF-style: chr18-31524772-G-A. GRCh37 (hg19) VCF-style: chr18-29104735-G-A.
Other names: short protein forms E300K.
Identifiers: ClinVar variation 1765350 (VCV001765350.3), dbSNP rs998257882, ClinGen allele CA297732277.